The following is an entry in ClinVar:

NM_001348716.2(KDM6B):c.780A>C (p.Pro260=)

Gene: KDM6B (lysine demethylase 6B; plus strand). Cytogenetic location: 17p13.1.
Variant type: single nucleotide variant.
Coding change: c.780A>C on transcript NM_001348716.2 (MANE Select); coding-DNA position 780, A replaced by C.
Protein change: p.Pro260=; no amino-acid change (proline 260 retained).
Molecular consequence: synonymous variant.
Genome position (GRCh38, 1-based): chr17:7,846,887, A>C. VCF-style: chr17-7846887-A-C. GRCh37 (hg19) VCF-style: chr17-7750205-A-C.
Other names: c.780A>C, p.Pro260= (NM_001080424.2).
Identifiers: ClinVar variation 3055676 (VCV003055676.2), dbSNP rs2151376311, ClinGen allele CA497946468.

ClinVar aggregate classification (germline): Likely benign (0 of 4 stars; one submission).

Conditions:
KDM6B-related disorder. Also called: KDM6B-related condition.

Submission:

PreventionGenetics, part of Exact Sciences
Classification: Likely benign for KDM6B-related condition. Last evaluated: 2019-10-31. Review status: no assertion criteria provided. Collection method: clinical testing. Allele origin: germline.
Comment: This variant is classified as likely benign based on ACMG/AMP sequence variant interpretation guidelines (Richards et al. 2015 PMID: 25741868, with internal and published modifications).